The following is an entry in ClinVar:

NM_000400.4(ERCC2):c.683A>G (p.Lys228Arg)

Gene: ERCC2 (ERCC excision repair 2, TFIIH core complex helicase subunit; minus strand). Cytogenetic location: 19q13.32.
Variant type: single nucleotide variant.
Coding change: c.683A>G on transcript NM_000400.4 (MANE Select); coding-DNA position 683, A replaced by G.
Protein change: p.Lys228Arg; replaces lysine 228 with arginine.
Molecular consequence: missense variant.
Genome position (GRCh38, 1-based): chr19:45,364,459, T>C on the plus strand (A>G on the coding strand, the complement: ERCC2 is on the minus strand). VCF-style: chr19-45364459-T-C. GRCh37 (hg19) VCF-style: chr19-45867717-T-C.
Other names: c.611A>G, p.Lys204Arg (NM_001130867.2); short protein forms K204R, K228R.
Identifiers: ClinVar variation 3276242 (VCV003276242.1).
Genomic context (GRCh38, chr19:45,364,459, plus strand): 5'-CTTTGGCCCCTGGCGCCCCCCTCACCAATGTTGTGGGCCTCGTCGAAGACCACGACGGCC[T>C]TGCGGGCCAGTTCCTTGGACACCAGGTCTGCAATCTTGGGGTCCAGGAGGTAGTGGTAGC-3'
Protein context (NP_000391.1, residues 218-238): ADLVSKELAR[Lys228Arg]AVVVFDEAHN

ClinVar aggregate classification (germline): Uncertain significance (1 of 4 stars; one submission).

Conditions:
Inborn genetic diseases. Identifiers: MedGen C0950123, MeSH D030342.

Submission:

Ambry Genetics
Classification: Uncertain significance for Inborn genetic diseases. Last evaluated: 2024-06-24. Review status: criteria provided, single submitter. Criteria: Ambry Variant Classification Scheme 2023. Collection method: clinical testing. Allele origin: germline.
Comment: The p.K228R variant (also known as c.683A>G), located in coding exon 8 of the ERCC2 gene, results from an A to G substitution at nucleotide position 683. The lysine at codon 228 is replaced by arginine, an amino acid with highly similar properties. This amino acid position is conserved. In addition, the in silico prediction for this alteration is inconclusive. Based on the available evidence, the clinical significance of this variant remains unclear.